The following is an entry in ClinVar:

NM_004448.4(ERBB2):c.381C>G (p.Thr127=)

Gene: ERBB2 (erb-b2 receptor tyrosine kinase 2; plus strand). Cytogenetic location: 17q12.
Variant type: single nucleotide variant.
Coding change: c.381C>G on transcript NM_004448.4 (MANE Select); coding-DNA position 381, C replaced by G.
Protein change: p.Thr127=; no amino-acid change (threonine 127 retained).
Molecular consequence: synonymous variant. On other transcripts: non-coding transcript variant (1), intron variant (1).
Genome position (GRCh38, 1-based): chr17:39,708,476, C>G. VCF-style: chr17-39708476-C-G. GRCh37 (hg19) VCF-style: chr17-37864729-C-G.
Other names: c.291C>G, p.Thr97= (NM_001005862.3, NM_001289938.2, NM_001382782.1 and 1 more transcripts); c.336C>G, p.Thr112= (NM_001289936.2); c.381C>G, p.Thr127= (NM_001289937.2, NM_001382784.1, NM_001382785.1 and 19 more transcripts); c.372C>G, p.Thr124= (NM_001382791.1); c.74-3452C>G (NM_001382804.1).
Identifiers: ClinVar variation 707961 (VCV000707961.20), dbSNP rs4252613, ClinGen allele CA8533608.

ClinVar aggregate classification (germline): Benign. Review status: criteria provided, multiple submitters, no conflicts (2 of 4 stars). 3 submissions from 3 submitters: Benign (3). Last evaluated 2025-12-31.

Allele frequency attached by ClinVar (database versions not stated): gnomAD exomes 0.00210; ExAC 0.00274; gnomAD 0.00763 and 0.00812; ESP Exome Variant Server 0.00861; TOPMed 0.00862; 1000 Genomes Project 0.00958; 1000 Genomes Project 30x 0.00999.
gnomAD v4.1: 2,409 of 1,614,166 alleles (0.15%); highest among the groups gnomAD compares: African/African-American, 2.7%; 23 homozygotes.

Submissions (3):

Labcorp Genetics (formerly Invitae), Labcorp
Classification: Benign. Last evaluated: 2025-12-31. Review status: criteria provided, single submitter. Criteria: Invitae Variant Classification Sherloc (09022015). Collection method: clinical testing. Allele origin: germline.

CeGaT Center for Human Genetics Tuebingen
Classification: Benign. Last evaluated: 2025-07-01. Review status: criteria provided, single submitter. Criteria: CeGaT Center For Human Genetics Tuebingen Variant Classification Criteria Version 2. Collection method: clinical testing. Allele origin: germline. Affected: yes. Observed: 1 variant allele.
Comment: ERBB2: BP4, BP7, BS1, BS2

Breakthrough Genomics
Classification: Benign. Review status: criteria provided, single submitter. Criteria: ACMG Guidelines, 2015. Collection method: not provided. Allele origin: germline. Inheritance: Autosomal recessive inheritance. Affected: yes.